The following is an entry in ClinVar:

ClinVar aggregate classification (germline): Uncertain significance. Review status: criteria provided, multiple submitters, no conflicts (2 of 4 stars). 2 submissions from 2 submitters: Uncertain significance (2). Last evaluated 2015-03-02.

Conditions:
Maturity-onset diabetes of the young (MODY). Also called: Maturity onset diabetes mellitus in young. Identifiers: Orphanet 552, MedGen C0342276, MONDO:0018911, HP:0004904.

Allele frequency attached by ClinVar (database versions not stated): gnomAD exomes below 0.00001; ExAC 0.00001; gnomAD 0.00001; TOPMed 0.00002.
gnomAD v4.1: 3 of 1,613,356 alleles (0.00019%); highest among the groups gnomAD compares: African/African-American, 0.004%; no homozygotes.

Submissions (2):

Eurofins Ntd Llc (ga)
Classification: Uncertain significance. Last evaluated: 2015-03-02. Review status: criteria provided, single submitter. Criteria: EGL Classification Definitions 2015. Collection method: clinical testing. Allele origin: germline. Observed: 1 variant allele, 1 heterozygote.

Clinical Genomics, Uppaluri K&H Personalized Medicine Clinic
Classification: Uncertain significance for Maturity-onset diabetes of the young. Review status: criteria provided, single submitter. Criteria: K & H Uppaluri Personalized Medicine Clinic Variant Classification & Assertion Criteria_Updated V.1. Collection method: research. Allele origin: somatic. Inheritance: Autosomal dominant inheritance.
Comment: Mutations in KCNJ11 gene can cause decreased production and secretion of insulin. This can lead to MODY which may be responsive to oral sulfonylureas. It is also associated with Neonatal Diabetes. However, no sufficient evidence is found to ascertain the role of this particular variant (rs777540229) in MODY yet.

Literature cited by the submitters: PubMed 26448950 (cited by Clinical Genomics, Uppaluri K&H Personalized Medicine Clinic); PubMed 15718250 (cited by Clinical Genomics, Uppaluri K&H Personalized Medicine Clinic); PubMed 15580558 (cited by Clinical Genomics, Uppaluri K&H Personalized Medicine Clinic); PubMed 32935446 (cited by Clinical Genomics, Uppaluri K&H Personalized Medicine Clinic); PubMed 22701567 (cited by Clinical Genomics, Uppaluri K&H Personalized Medicine Clinic).

NM_000525.4(KCNJ11):c.1123A>G (p.Met375Val)

Gene: KCNJ11 (potassium inwardly rectifying channel subfamily J member 11; minus strand). Cytogenetic location: 11p15.1.
Variant type: single nucleotide variant.
Coding change: c.1123A>G on transcript NM_000525.4 (MANE Select); coding-DNA position 1123, A replaced by G.
Protein change: p.Met375Val; replaces methionine 375 with valine.
Molecular consequence: missense variant.
Genome position (GRCh38, 1-based): chr11:17,386,969, T>C on the plus strand (A>G on the coding strand, the complement: KCNJ11 is on the minus strand). VCF-style: chr11-17386969-T-C. GRCh37 (hg19) VCF-style: chr11-17408516-T-C.
Other names: c.862A>G, p.Met288Val (NM_001166290.2, NM_001377296.1, NM_001377297.1); short protein forms M375V, M288V.
Identifiers: ClinVar variation 193109 (VCV000193109.6), dbSNP rs777540229, ClinGen allele CA238615.
Genomic context (GRCh38, chr11:17,386,969, plus strand): 5'-AGACCATGGCTCAGGACAGGGAATCTGGAGAGATGCTGAACTTGGGCTTGGCCTTGGCCA[T>C]GGGCACGCTGCGCTTGCGCAGGGGCCCGCGGGCTGAGGCGAGGGTCAGAGCTTCCAGTAG-3'
Protein context (NP_000516.3, residues 365-385): RGPLRKRSVP[Met375Val]AKAKPKFSIS